The following is an entry in ClinVar:

NM_020433.5(JPH2):c.1796C>T (p.Pro599Leu)

Gene: JPH2 (junctophilin 2; minus strand). Cytogenetic location: 20q13.12.
Variant type: single nucleotide variant.
Coding change: c.1796C>T on transcript NM_020433.5 (MANE Select); coding-DNA position 1796, C replaced by T.
Protein change: p.Pro599Leu; replaces proline 599 with leucine.
Molecular consequence: missense variant.
Genome position (GRCh38, 1-based): chr20:44,115,879, G>A on the plus strand (C>T on the coding strand, the complement: JPH2 is on the minus strand). VCF-style: chr20-44115879-G-A. GRCh37 (hg19) VCF-style: chr20-42744519-G-A.
Other names: short protein forms P599L.
Identifiers: ClinVar variation 1780266 (VCV001780266.2), dbSNP rs770986432, ClinGen allele CA9868602.
Genomic context (GRCh38, chr20:44,115,879, plus strand): 5'-GGGGTCTCGCGTGCAGGCTCGGGGCCTCGGAGCGTGGGGGCCTGCAGCGGGGCGGTGGCC[G>A]GGGACGAGGGCGCGGACTCGGACCCGGAGACCTCGGGCTCGGGCTGGTCCTCAAAGGGTG-3'
Protein context (NP_065166.2, residues 589-609): VSGSESAPSS[Pro599Leu]ATAPLQAPTL

ClinVar aggregate classification (germline): Uncertain significance (1 of 4 stars; one submission).

Conditions:
Cardiovascular phenotype. Identifiers: MedGen CN230736.

Allele frequency attached by ClinVar (database versions not stated): TOPMed 0.00003.
gnomAD v4.1: 13 of 1,581,984 alleles (0.00082%); highest among the groups gnomAD compares: South Asian, 0.0056%; no homozygotes.

Submission:

Ambry Genetics
Classification: Uncertain significance for Cardiovascular phenotype. Last evaluated: 2022-05-30. Review status: criteria provided, single submitter. Criteria: Ambry Variant Classification Scheme 2023. Collection method: clinical testing. Allele origin: germline.
Comment: The p.P599L variant (also known as c.1796C>T), located in coding exon 4 of the JPH2 gene, results from a C to T substitution at nucleotide position 1796. The proline at codon 599 is replaced by leucine, an amino acid with similar properties. This amino acid position is conserved. In addition, this alteration is predicted to be tolerated by in silico analysis. Since supporting evidence is limited at this time, the clinical significance of this alteration remains unclear.